The following is an entry in ClinVar:

ClinVar aggregate classification (germline): Benign. Review status: criteria provided, single submitter (1 of 4 stars). 2 submissions from 1 submitter: Benign (2). Last evaluated 2018-01-12.

Conditions:
Leigh syndrome (NULS). Also called: Leigh's syndrome; Leigh Syndrome (mtDNA deletion); Leigh Disease; Leigh's necrotizing encephalopathy; Leigh's disease; Subacute necrotizing encephalopathy. Identifiers: Orphanet 506, MedGen C2931891, MONDO:0009723, OMIM 256000.
Mitochondrial complex I deficiency, nuclear type 1. Also called: NADH-COENZYME Q REDUCTASE DEFICIENCY; MITOCHONDRIAL NADH DEHYDROGENASE COMPONENT OF COMPLEX I, DEFICIENCY OF. Identifiers: MedGen C6022305, MONDO:0100224, OMIM 252010.

Allele frequency attached by ClinVar (database versions not stated): gnomAD 0.03018 and 0.03241; TOPMed 0.03443; 1000 Genomes Project 0.03634; 1000 Genomes Project 30x 0.03763.

Submissions (2):

Illumina Laboratory Services, Illumina
Classification: Benign for Mitochondrial complex I deficiency, nuclear type 1. Last evaluated: 2018-01-12. Review status: criteria provided, single submitter. Criteria: ICSL Variant Classification Criteria 13 December 2019. Collection method: clinical testing. Allele origin: germline.
Comment: This variant was observed in the ICSL laboratory as part of a predisposition screen in an ostensibly healthy population. It had not been previously curated by ICSL or reported in the Human Gene Mutation Database (HGMD: prior to June 1st, 2018), and was therefore a candidate for classification through an automated scoring system. Utilizing variant allele frequency, disease prevalence and penetrance estimates, and inheritance mode, an automated score was calculated to assess if this variant is too frequent to cause the disease. Based on the score and internal cut-off values, a variant classified as benign is not then subjected to further curation. The score for this variant resulted in a classification of benign for this disease.

Illumina Laboratory Services, Illumina
Classification: Benign for Leigh syndrome. Last evaluated: 2018-01-12. Review status: criteria provided, single submitter. Criteria: ICSL Variant Classification Criteria 13 December 2019. Collection method: clinical testing. Allele origin: germline.
Comment: the same text as in the submission from Illumina Laboratory Services, Illumina above.

NM_005006.7(NDUFS1):c.*733A>G

Gene: NDUFS1 (NADH:ubiquinone oxidoreductase core subunit S1; minus strand). Cytogenetic location: 2q33.3.
Variant type: single nucleotide variant.
Coding change: c.*733A>G on transcript NM_005006.7 (MANE Select); 733 bases downstream of the stop codon, A replaced by G.
Molecular consequence: 3 prime UTR variant.
Genome position (GRCh38, 1-based): chr2:206,123,452, T>C on the plus strand (A>G on the coding strand, the complement: NDUFS1 is on the minus strand). VCF-style: chr2-206123452-T-C. GRCh37 (hg19) VCF-style: chr2-206988176-T-C.
Other names: c.*733A>G (NM_001199981.2, NM_001199982.2, NM_001199983.2 and 1 more transcripts).
Identifiers: ClinVar variation 333767 (VCV000333767.5), dbSNP rs6707707, ClinGen allele CA10612142.